The following is an entry in ClinVar:

NM_172107.4(KCNQ2):c.2372C>T (p.Pro791Leu)

Gene: KCNQ2 (potassium voltage-gated channel subfamily Q member 2; minus strand). Cytogenetic location: 20q13.33.
Variant type: single nucleotide variant.
Coding change: c.2372C>T on transcript NM_172107.4 (MANE Select); coding-DNA position 2372, C replaced by T.
Protein change: p.Pro791Leu; replaces proline 791 with leucine.
Molecular consequence: missense variant.
Genome position (GRCh38, 1-based): chr20:63,406,891, G>A on the plus strand (C>T on the coding strand, the complement: KCNQ2 is on the minus strand). VCF-style: chr20-63406891-G-A. GRCh37 (hg19) VCF-style: chr20-62038244-G-A.
Other names: c.2426C>T, p.Pro809Leu (NM_001382235.1); c.2288C>T, p.Pro763Leu (NM_004518.6); c.2318C>T, p.Pro773Leu (NM_172106.3); c.2279C>T, p.Pro760Leu (NM_172108.5); short protein forms P760L, P763L, P773L, P791L, P809L.
Identifiers: ClinVar variation 3363283 (VCV003363283.1).

ClinVar aggregate classification (germline): Uncertain significance (1 of 4 stars; one submission).

gnomAD v4.1: 6 of 1,611,704 alleles (0.00037%); highest among the groups gnomAD compares: Non-Finnish European, 0.00051%; no homozygotes.

Submission:

GeneDx
Classification: Uncertain significance. Last evaluated: 2023-10-24. Review status: criteria provided, single submitter. Criteria: GeneDx Variant Classification Process June 2021. Collection method: clinical testing. Allele origin: germline. Affected: yes.
Comment: Not observed at significant frequency in large population cohorts (gnomAD); Missense variants in this gene are a common cause of disease and they are underrepresented in the general population; In silico analysis supports that this missense variant has a deleterious effect on protein structure/function; Has not been previously published as pathogenic or benign to our knowledge; This substitution is predicted to be within the C-terminal cytoplasmic domain